The following is an entry in ClinVar:

ClinVar aggregate classification (germline): Uncertain significance. Review status: criteria provided, multiple submitters, no conflicts (2 of 4 stars). 7 submissions from 7 submitters: Uncertain significance (4). 3 of the submissions do not count toward it. Last evaluated 2025-12-29.

Conditions:
GRN-related disorder. Also called: GRN-related condition; GRN-related disorders.
Inborn genetic diseases. Identifiers: MedGen C0950123, MeSH D030342.
GRN-related frontotemporal lobar degeneration with Tdp43 inclusions (FTD2). Also called: DEMENTIA, HEREDITARY DYSPHASIC DISINHIBITION; FRONTOTEMPORAL LOBAR DEGENERATION WITH UBIQUITIN-POSITIVE INCLUSIONS; FTLD-TDP, GRN-RELATED; FRONTOTEMPORAL DEMENTIA WITH TDP43 INCLUSIONS, GRN-RELATED; GRN Frontotemporal Dementia. Identifiers: Orphanet 100070, Orphanet 282, MedGen C1843792, MONDO:0011842, OMIM 607485. Disease mechanism: loss of function.
Neuronal ceroid lipofuscinosis 11. Also called: GRN-Related Neuronal Ceroid-Lipofuscinosis. Identifiers: Orphanet 314629, Orphanet 79262, MedGen C3539123, MONDO:0013866, OMIM 614706.

Allele frequency attached by ClinVar (database versions not stated): ExAC 0.00001; gnomAD 0.00001; gnomAD exomes 0.00002 and 0.00003; TOPMed 0.00004.
gnomAD v4.1: 45 of 1,613,506 alleles (0.0028%); highest among the groups gnomAD compares: Non-Finnish European, 0.0036%; no homozygotes.

Submissions (7):

PreventionGenetics, part of Exact Sciences
Classification: Uncertain significance for GRN-related condition. Last evaluated: 2025-12-29. Review status: criteria provided, single submitter. Criteria: ACMG Guidelines, 2015. Collection method: clinical testing. Allele origin: germline.
Comment: The GRN c.1241G>T variant is predicted to result in the amino acid substitution p.Gly414Val. To our knowledge, this variant has not been reported in the literature. This variant is reported in 0.0054% of alleles in individuals of European (Non-Finnish) descent in gnomAD. At this time, the clinical significance of this variant is uncertain due to the absence of conclusive functional and genetic evidence.

GeneDx
Classification: Uncertain significance. Last evaluated: 2024-11-04. Review status: criteria provided, single submitter. Criteria: GeneDx Variant Classification Process June 2021. Collection method: clinical testing. Allele origin: germline. Affected: yes.
Comment: In silico analysis supports that this missense variant has a deleterious effect on protein structure/function; Has not been previously published as pathogenic or benign in an individual with a GRN-related disorder to our knowledge; This variant is associated with the following publications: (PMID: 18543312)

Ambry Genetics
Classification: Uncertain significance for Inborn genetic diseases. Last evaluated: 2022-11-14. Review status: criteria provided, single submitter. Criteria: Ambry Variant Classification Scheme 2023. Collection method: clinical testing. Allele origin: germline.

Labcorp Genetics (formerly Invitae), Labcorp
Classification: Uncertain significance for Neuronal ceroid lipofuscinosis 11; GRN-related frontotemporal lobar degeneration with Tdp43 inclusions. Last evaluated: 2022-09-06. Review status: criteria provided, single submitter. Criteria: Invitae Variant Classification Sherloc (09022015). Collection method: clinical testing. Allele origin: germline.
Comment: This sequence change replaces glycine, which is neutral and non-polar, with valine, which is neutral and non-polar, at codon 414 of the GRN protein (p.Gly414Val). This variant is present in population databases (rs63750920, gnomAD 0.006%). This missense change has been observed in individual(s) with clinical features of frontotemporal dementia, as well as unaffected individuals (PMID: 18543312). ClinVar contains an entry for this variant (Variation ID: 98176). Algorithms developed to predict the effect of missense changes on protein structure and function are either unavailable or do not agree on the potential impact of this missense change (SIFT: "Deleterious"; PolyPhen-2: "Probably Damaging"; Align-GVGD: "Class C0"). In summary, the available evidence is currently insufficient to determine the role of this variant in disease. Therefore, it has been classified as a Variant of Uncertain Significance.

Clinical Genetics DNA and cytogenetics Diagnostics Lab, Erasmus MC, Erasmus Medical Center
Classification: Likely benign. Review status: no assertion criteria provided. Collection method: clinical testing. Allele origin: germline. Affected: yes. Study: VKGL Data-share Consensus. Not counted in ClinVar's aggregate classification.

Genome Diagnostics Laboratory, Amsterdam University Medical Center
Classification: Likely benign. Review status: no assertion criteria provided. Collection method: clinical testing. Allele origin: germline. Affected: yes. Study: VKGL Data-share Consensus. Not counted in ClinVar's aggregate classification.

VIB  Department of Molecular Genetics, University of Antwerp
No classification provided. Review status: no classification provided. Collection method: not provided. Allele origin: unknown. Not counted in ClinVar's aggregate classification.

Literature cited by the submitters: PubMed 18543312 (cited by Labcorp Genetics (formerly Invitae), Labcorp).

NM_002087.4(GRN):c.1241G>T (p.Gly414Val)

Gene: GRN (granulin precursor; plus strand). Cytogenetic location: 17q21.31.
Variant type: single nucleotide variant.
Coding change: c.1241G>T on transcript NM_002087.4 (MANE Select); coding-DNA position 1241, G replaced by T.
Protein change: p.Gly414Val; replaces glycine 414 with valine.
Molecular consequence: missense variant.
Genome position (GRCh38, 1-based): chr17:44,352,076, G>T. VCF-style: chr17-44352076-G-T. GRCh37 (hg19) VCF-style: chr17-42429444-G-T.
Other names: c.1241G>T (NM_002087.3, NM_002087.2); short protein forms G414V.
Identifiers: ClinVar variation 98176 (VCV000098176.10), dbSNP rs63750920, ClinGen allele CA225324.
Genomic context (GRCh38, chr17:44,352,076, plus strand): 5'-CTGTCTGCTGCTCGGACCACCAGCACTGCTGCCCCCAGGGCTACACGTGTGTAGCTGAGG[G>T]GCAGTGTCAGCGAGGAAGCGAGATCGTGGCTGGACTGGAGAAGATGCCTGCCCGCCGGGC-3'
Protein context (NP_002078.1, residues 404-424): CPQGYTCVAE[Gly414Val]QCQRGSEIVA